The following is an entry in ClinVar:

NM_000380.4(XPA):c.421A>G (p.Lys141Glu)

Gene: XPA (XPA, DNA damage recognition and repair factor; minus strand). Cytogenetic location: 9q22.33.
Variant type: single nucleotide variant.
Coding change: c.421A>G on transcript NM_000380.4 (MANE Select); coding-DNA position 421, A replaced by G.
Protein change: p.Lys141Glu; replaces lysine 141 with glutamic acid.
Molecular consequence: missense variant. On other transcripts: non-coding transcript variant (4).
Genome position (GRCh38, 1-based): chr9:97,687,230, T>C on the plus strand (A>G on the coding strand, the complement: XPA is on the minus strand). VCF-style: chr9-97687230-T-C. GRCh37 (hg19) VCF-style: chr9-100449512-T-C.
Other names: c.295A>G, p.Lys99Glu (NM_001354975.2); short protein forms K99E, K141E.
Identifiers: ClinVar variation 1916937 (VCV001916937.5), dbSNP rs2490221529, ClinGen allele CA374187580.

ClinVar aggregate classification (germline): Uncertain significance (1 of 4 stars; one submission).

Allele frequency attached by ClinVar (database versions not stated): gnomAD exomes below 0.00001.
gnomAD v4.1: 1 of 1,609,846 alleles (0.000062%); highest among the groups gnomAD compares: Non-Finnish European, 0.000085%; no homozygotes.

Submission:

Labcorp Genetics (formerly Invitae), Labcorp
Classification: Uncertain significance. Last evaluated: 2022-08-05. Review status: criteria provided, single submitter. Criteria: Invitae Variant Classification Sherloc (09022015). Collection method: clinical testing. Allele origin: germline.
Comment: In summary, the available evidence is currently insufficient to determine the role of this variant in disease. Therefore, it has been classified as a Variant of Uncertain Significance. Experimental studies are conflicting or provide insufficient evidence to determine the effect of this variant on XPA function (PMID: 25100013). Algorithms developed to predict the effect of missense changes on protein structure and function are either unavailable or do not agree on the potential impact of this missense change (SIFT: "Not Available"; PolyPhen-2: "Probably Damaging"; Align-GVGD: "Not Available"). This variant has not been reported in the literature in individuals affected with XPA-related conditions. This variant is not present in population databases (gnomAD no frequency). This sequence change replaces lysine, which is basic and polar, with glutamic acid, which is acidic and polar, at codon 141 of the XPA protein (p.Lys141Glu).

Literature cited by the submitters: PubMed 25100013.